The following is an entry in ClinVar:

ClinVar aggregate classification (germline): Conflicting classifications of pathogenicity. Review status: criteria provided, conflicting classifications (1 of 4 stars). 14 submissions from 14 submitters: Pathogenic (1); Uncertain significance (1); Benign (4); Likely benign (6). 2 of the submissions do not count toward it. Last evaluated 2026-04-23.

Conditions:
Immunodeficiency 95 (IMD95). Identifiers: MedGen C5676929, MONDO:0030692, OMIM 619773.
Singleton-Merten syndrome 1 (SGMRT1). Also called: Widened medullary cavities of bone, aortic calcification, abnormal dentition, and muscular weakness; Syndrome of widened medullary cavities of the metacarpals and phalanges, aortic calcification and abnormal dentition. Identifiers: Orphanet 85191, MedGen C4225427, MONDO:0024535, OMIM 182250.
Aicardi-Goutieres syndrome 7 (AGS7). Identifiers: Orphanet 51, MedGen C3888244, MONDO:0014367, OMIM 615846.
IFIH1-related disorder. Also called: IFIH1-related condition.
Primary ciliary dyskinesia. Also called: Ciliary dyskinesia. Identifiers: Orphanet 244, MedGen C0008780, MONDO:0016575, HP:0012265.

Allele frequency attached by ClinVar (database versions not stated): TOPMed 0.00493; gnomAD 0.00502 and 0.00538; ESP Exome Variant Server 0.00538; 1000 Genomes Project 30x 0.00547; 1000 Genomes Project 0.00619; gnomAD exomes 0.00658; ExAC 0.00708.
gnomAD v4.1: 13,567 of 1,591,006 alleles (0.85%); highest among the groups gnomAD compares: East Asian, 1.9%; 86 homozygotes.

Submissions 1 to 24 of 102:

Women's Health and Genetics/Laboratory Corporation of America, LabCorp
Classification: Benign. Last evaluated: 2026-04-23. Review status: criteria provided, single submitter. Criteria: LabCorp Variant Classification Summary - May 2015. Collection method: clinical testing. Allele origin: germline.
Comment: Variant summary: IFIH1 c.2807+1G>A is located in a canonical splice-site and is predicted to affect mRNA splicing resulting in a significantly altered protein due to either exon skipping, shortening, or inclusion of intronic material. Variants that disrupt the consensus splice site are a relatively common cause of aberrant splicing, however current evidence is not sufficient to establish loss of function in this gene as a mechanism for disease. Several computational tools predict a significant impact on normal splicing: Four predict the variant abolishes a 5' splicing donor site. However, these predictions have yet to be confirmed by functional studies. The variant allele was found at a frequency of 0.0066 in 236838 control chromosomes, predominantly at a frequency of 0.012 within the South Asian subpopulation in the gnomAD database, including 4 homozygotes. The observed variant frequency within South Asian control individuals in the gnomAD database exceeds the estimated maximal expected allele frequency for disease-causing variants in IFIH1. To our knowledge, no occurrence of c.2807+1G>A in individuals affected with IFIH1-related conditions and no experimental evidence demonstrating its impact on protein function have been reported. ClinVar contains an entry for this variant (Variation ID: 541779). Based on the evidence outlined above, the variant was classified as benign.

Department of Human Genetics, Hannover Medical School
Classification: Uncertain significance for Primary Ciliary Dyskinesia. Last evaluated: 2026-04-01. Review status: criteria provided, single submitter. Criteria: ACMG Guidelines, 2015. Collection method: research. Allele origin: germline. Affected: no.
Comment: Classification performed by HerediClassify using the following criteria:['PVS1_splicing_strong: Transcript ENST00000649979 does not undergo NMD and reading frame is not preserved. Protein length change of 0.1278048780487805 observed.']

Labcorp Genetics (formerly Invitae), Labcorp
Classification: Benign for Aicardi-Goutieres syndrome 7; Singleton-Merten syndrome 1. Last evaluated: 2026-02-04. Review status: criteria provided, single submitter. Criteria: Invitae Variant Classification Sherloc (09022015). Collection method: clinical testing. Allele origin: germline.

Dasa
Classification: Benign. Last evaluated: 2026-01-11. Review status: criteria provided, single submitter. Criteria: DASA Assertion Criteria. Collection method: clinical testing. Allele origin: germline.
Comment: NM_022168.4(IFIH1):c.2807+1G>A introduces a premature termination codon predicted to result in loss of normal protein function. Loss-of-function is an established mechanism of disease for this gene. Based on the available data, this variant is classified as benign.

Mayo Clinic Laboratories, Mayo Clinic
Classification: Likely benign. Last evaluated: 2025-08-14. Review status: criteria provided, single submitter. Criteria: ACMG Guidelines, 2015. Collection method: clinical testing. Allele origin: germline. Observed: 10 variant alleles.
Comment: BA1, BS2, BP5

Blueprint Genetics
Classification: Likely benign. Last evaluated: 2024-11-26. Review status: criteria provided, single submitter. Criteria: ACMG Guidelines, 2015. Collection method: clinical testing. Allele origin: germline.

Dubai Health Genomic Medicine Center, Dubai Health
Classification: Pathogenic for Immunodeficiency 95. Last evaluated: 2024-10-04. Review status: criteria provided, single submitter. Criteria: ACMG Guidelines, 2015. Collection method: research. Allele origin: germline. Affected: yes.
Comment: PVS1, PM3_Strong, PS3

CeGaT Center for Human Genetics Tuebingen
Classification: Benign. Last evaluated: 2024-07-01. Review status: criteria provided, single submitter. Criteria: CeGaT Center For Human Genetics Tuebingen Variant Classification Criteria Version 2. Collection method: clinical testing. Allele origin: germline. Affected: yes. Observed: 14 variant alleles.
Comment: IFIH1: BS1, BS2

Fulgent Genetics
Classification: Likely benign for Singleton-Merten syndrome 1; Aicardi-Goutieres syndrome 7; Immunodeficiency 95. Last evaluated: 2022-04-25. Review status: criteria provided, single submitter. Criteria: ACMG Guidelines, 2015. Collection method: clinical testing. Allele origin: unknown.

GeneDx
Classification: Likely benign. Last evaluated: 2021-05-05. Review status: criteria provided, single submitter. Criteria: GeneDx Variant Classification Process June 2021. Collection method: clinical testing. Allele origin: germline. Affected: yes.
Comment: This variant is associated with the following publications: (PMID: 23856252, 22344438, 19264985, 28716935)

Genetics and Molecular Pathology, SA Pathology
Classification: Likely benign for Aicardi-Goutieres syndrome 7. Last evaluated: 2020-06-30. Review status: criteria provided, single submitter. Criteria: ACMG Guidelines, 2015. Collection method: clinical testing. Allele origin: germline. Affected: yes.

Breakthrough Genomics
Classification: Likely benign. Review status: criteria provided, single submitter. Criteria: ACMG Guidelines, 2015. Collection method: not provided. Allele origin: germline. Inheritance: Autosomal recessive inheritance. Affected: yes.

OMIM
Classification: Pathogenic for IMMUNODEFICIENCY 95. Last evaluated: 2022-06-15. Review status: no assertion criteria provided. Collection method: literature only. Allele origin: germline. Not counted in ClinVar's aggregate classification.

PreventionGenetics, part of Exact Sciences
Classification: Benign for IFIH1-related condition. Last evaluated: 2019-03-13. Review status: no assertion criteria provided. Collection method: clinical testing. Allele origin: germline. Not counted in ClinVar's aggregate classification.
Comment: This variant is classified as benign based on ACMG/AMP sequence variant interpretation guidelines (Richards et al. 2015 PMID: 25741868, with internal and published modifications).

Dr. Peter K. Rogan Lab, Western University
No classification provided (evidence only). Condition: Clear cell carcinoma of kidney. Review status: no classification provided. Collection method: in vitro. Allele origin: not applicable. Functional consequence: skipped exon, retained intron. Not counted in ClinVar's aggregate classification.

Dr. Peter K. Rogan Lab, Western University
No classification provided (evidence only). Condition: Clear cell carcinoma of kidney. Review status: no classification provided. Collection method: in vitro. Allele origin: not applicable. Functional consequence: skipped exon, retained intron. Not counted in ClinVar's aggregate classification.

Dr. Peter K. Rogan Lab, Western University
No classification provided (evidence only). Condition: Clear cell carcinoma of kidney. Review status: no classification provided. Collection method: in vitro. Allele origin: not applicable. Functional consequence: skipped exon. Not counted in ClinVar's aggregate classification.

Dr. Peter K. Rogan Lab, Western University
No classification provided (evidence only). Condition: Clear cell carcinoma of kidney. Review status: no classification provided. Collection method: in vitro. Allele origin: not applicable. Functional consequence: skipped exon, retained intron. Not counted in ClinVar's aggregate classification.

Dr. Peter K. Rogan Lab, Western University
No classification provided (evidence only). Condition: Clear cell carcinoma of kidney. Review status: no classification provided. Collection method: in vitro. Allele origin: not applicable. Functional consequence: skipped exon. Not counted in ClinVar's aggregate classification.

Dr. Peter K. Rogan Lab, Western University
No classification provided (evidence only). Condition: Clear cell carcinoma of kidney. Review status: no classification provided. Collection method: in vitro. Allele origin: not applicable. Functional consequence: skipped exon. Not counted in ClinVar's aggregate classification.

Dr. Peter K. Rogan Lab, Western University
No classification provided (evidence only). Condition: Clear cell carcinoma of kidney. Review status: no classification provided. Collection method: in vitro. Allele origin: not applicable. Functional consequence: skipped exon, retained intron. Not counted in ClinVar's aggregate classification.

Dr. Peter K. Rogan Lab, Western University
No classification provided (evidence only). Condition: Clear cell carcinoma of kidney. Review status: no classification provided. Collection method: in vitro. Allele origin: not applicable. Functional consequence: skipped exon. Not counted in ClinVar's aggregate classification.

Dr. Peter K. Rogan Lab, Western University
No classification provided (evidence only). Condition: Lung cancer. Review status: no classification provided. Collection method: in vitro. Allele origin: not applicable. Functional consequence: skipped exon. Not counted in ClinVar's aggregate classification.

Dr. Peter K. Rogan Lab, Western University
No classification provided (evidence only). Condition: Lung cancer. Review status: no classification provided. Collection method: in vitro. Allele origin: not applicable. Functional consequence: skipped exon, retained intron. Not counted in ClinVar's aggregate classification.

NM_022168.4(IFIH1):c.2807+1G>A

Gene: IFIH1 (interferon induced with helicase C domain 1; minus strand). Cytogenetic location: 2q24.2.
Variant type: single nucleotide variant.
Coding change: c.2807+1G>A on transcript NM_022168.4 (MANE Select); the canonical splice donor site of the intron after coding-DNA position 2807, G replaced by A.
Molecular consequence: splice donor variant.
Genome position (GRCh38, 1-based): chr2:162,268,086, C>T on the plus strand (G>A on the coding strand, the complement: IFIH1 is on the minus strand). VCF-style: chr2-162268086-C-T. GRCh37 (hg19) VCF-style: chr2-163124596-C-T.
Other names: IVS14DS, G-A, +1 (rs35732034).
Identifiers: ClinVar variation 541779 (VCV000541779.61), dbSNP rs35732034, ClinGen allele CA1934075.